The following is an entry in ClinVar:

NM_005629.4(SLC6A8):c.619C>T (p.Arg207Trp)

Gene: SLC6A8 (solute carrier family 6 member 8; plus strand). Cytogenetic location: Xq28.
Variant type: single nucleotide variant.
Coding change: c.619C>T on transcript NM_005629.4 (MANE Select); coding-DNA position 619, C replaced by T.
Protein change: p.Arg207Trp; replaces arginine 207 with tryptophan.
Molecular consequence: missense variant.
Genome position (GRCh38, 1-based): chrX:153,691,528, C>T. VCF-style: chrX-153691528-C-T. GRCh37 (hg19) VCF-style: chrX-152956983-C-T.
Other names: NM_005629.4(SLC6A8):c.619C>T; p.Arg207Trp; c.619C>T, p.Arg207Trp (NM_001142805.2); c.274C>T, p.Arg92Trp (NM_001142806.1); short protein forms R207W, R92W.
Identifiers: ClinVar variation 1211026 (VCV001211026.6), dbSNP rs1557044461, ClinGen allele CA415079397.
Genomic context (GRCh38, chrX:153,691,528, plus strand): 5'-CATGAAGACTGTGCCAATGCCAGCCTGGCCAACCTCACCTGTGACCAGCTTGCTGACCGC[C>T]GGTCCCCTGTCATCGAGTTCTGGGAGTGAGTCCGGCACCTCTGGGCCAAGCCCATCCCAT-3'
Protein context (NP_005620.1, residues 197-217): NLTCDQLADR[Arg207Trp]SPVIEFWENK

ClinVar aggregate classification (germline): Likely pathogenic. Review status: reviewed by expert panel (3 of 4 stars). 2 submissions from 2 submitters: Likely pathogenic (1). 1 of the submissions does not count toward it. Last evaluated 2023-03-09.

Conditions:
Creatine transporter deficiency (CCDS1). Also called: Creatine Transporter (CRTR) Deficiency; Mental retardation , X-linked with seizures, short stature and midface hypoplasia; Mental retardation , X-linked, with creatine transport deficiency; X-linked creatine transporter deficiency; X-linked creatine deficiency syndrome; SLC6A8-Related Creatine Transporter Deficiency. Identifiers: Orphanet 52503, MedGen C1845862, MONDO:0010305, OMIM 300352.

Submissions (2):

ClinGen Cerebral Creatine Deficiency Syndromes Variant Curation Expert Panel, ClinGen
Classification: Likely pathogenic for Creatine transporter deficiency. Last evaluated: 2023-03-09. Review status: reviewed by expert panel. Criteria: ClinGen_CCDS_ACMG_Specifications_SLC6A8_v1.1. Collection method: curation. Allele origin: germline. Inheritance: X-linked inheritance.
Comment: The NM_005629.4:c.619C>T (p.Arg207Trp) variant in SLC6A8 is a missense variant predicted to result in the substitution of arginine by tryptophan at amino acid 207 (p.Arg207Trp). This variant is absent in gnomAD v2.1.1. (PM2_Supporting). When expressed in HeLa cells, the variant resulted in impaired creatine transport with 2 mM unlabeled substrate (PMID: 27408820). Based on review of this data by the ClinGen CCDS VCEP, this data meets PS3_Supporting. The computational predictor REVEL gives a score of 0.578 which is neither above nor below the thresholds predicting a damaging (>0.75) or benign (<0.2) impact on SLC6A8 function. There is a ClinVar entry for this variant (Variation ID: 211026). In summary, this variant meets the criteria to be classified as likely pathogenic for creatine transporter deficiency. SLC6A8-specific ACMG-AMP criteria met, as specified by the ClinGen CCDS VCEP (Specifications version 1.1.0): PP4_Strong, PS3_Supporting, PM2_Supporting. (Classification approved by the ClinGen CCDS VCEP on March 9, 2023).

GeneDx
Classification: Pathogenic. Last evaluated: 2021-12-23. Review status: criteria provided, single submitter. Criteria: GeneDx Variant Classification Process June 2021. Collection method: clinical testing. Allele origin: germline. Affected: yes. Not counted in ClinVar's aggregate classification.
Comment: Published functional studies demonstrate impaired creatine transporter deficiency (Ardon et al., 2016); Not observed in large population cohorts (Lek et al., 2016); This variant is associated with the following publications: (PMID: 27408820)